The following is an entry in ClinVar:

NM_182699.4(DDX53):c.155G>T (p.Cys52Phe)

Genes: DDX53 (DEAD-box helicase 53; plus strand), PTCHD1-AS (PTCHD1 and PHEX antisense RNA; minus strand). Cytogenetic location: Xp22.11.
Variant type: single nucleotide variant.
Coding change: c.155G>T on transcript NM_182699.4 (MANE Select); coding-DNA position 155, G replaced by T.
Protein change: p.Cys52Phe; replaces cysteine 52 with phenylalanine.
Molecular consequence: missense variant.
Genome position (GRCh38, 1-based): chrX:23,000,212, G>T. VCF-style: chrX-23000212-G-T. GRCh37 (hg19) VCF-style: chrX-23018329-G-T.
Other names: short protein forms C52F.
Identifiers: ClinVar variation 4278521 (VCV004278521.1).

ClinVar aggregate classification (germline): Uncertain significance (1 of 4 stars; one submission).

Submission:

GeneDx
Classification: Uncertain significance. Last evaluated: 2025-04-03. Review status: criteria provided, single submitter. Criteria: GeneDx Variant Classification Process June 2021. Collection method: clinical testing. Allele origin: germline. Affected: yes.
Comment: In silico analysis supports that this missense variant has a deleterious effect on protein structure/function; Has not been previously published as pathogenic or benign to our knowledge